The following is an entry in ClinVar:

NM_004304.5(ALK):c.59G>C (p.Gly20Ala)

Gene: ALK (ALK receptor tyrosine kinase; minus strand). Cytogenetic location: 2p23.1.
Variant type: single nucleotide variant.
Coding change: c.59G>C on transcript NM_004304.5 (MANE Select); coding-DNA position 59, G replaced by C.
Protein change: p.Gly20Ala; replaces glycine 20 with alanine.
Molecular consequence: missense variant.
Genome position (GRCh38, 1-based): chr2:29,920,601, C>G on the plus strand (G>C on the coding strand, the complement: ALK is on the minus strand). VCF-style: chr2-29920601-C-G. GRCh37 (hg19) VCF-style: chr2-30143467-C-G.
Other names: short protein forms G20A.
Identifiers: ClinVar variation 5035437 (VCV005035437.1).

ClinVar aggregate classification (germline): Uncertain significance (1 of 4 stars; one submission).

Conditions:
Hereditary cancer-predisposing syndrome. Also called: Hereditary Cancer Syndrome; Neoplastic Syndromes, Hereditary; Tumor predisposition; Hereditary neoplastic syndrome. Identifiers: Orphanet 140162, MedGen C0027672, MeSH D009386, MONDO:0015356.

Submission:

Ambry Genetics
Classification: Uncertain significance for Hereditary cancer-predisposing syndrome. Last evaluated: 2026-08-07. Review status: criteria provided, single submitter. Criteria: Ambry Variant Classification Scheme 2023. Collection method: clinical testing. Allele origin: germline.
Comment: The p.G20A variant (also known as c.59G>C), located in coding exon 1 of the ALK gene, results from a G to C substitution at nucleotide position 59. The glycine at codon 20 is replaced by alanine, an amino acid with similar properties. This amino acid position is conserved. In addition, this alteration is predicted to be tolerated by in silico analysis. Based on the available evidence, the clinical significance of this variant remains unclear.